The following is an entry in ClinVar:

NM_001845.6(COL4A1):c.814C>T (p.Pro272Ser)

Gene: COL4A1 (collagen type IV alpha 1 chain; minus strand). Cytogenetic location: 13q34.
Variant type: single nucleotide variant.
Coding change: c.814C>T on transcript NM_001845.6 (MANE Select); coding-DNA position 814, C replaced by T.
Protein change: p.Pro272Ser; replaces proline 272 with serine.
Molecular consequence: missense variant.
Genome position (GRCh38, 1-based): chr13:110,206,709, G>A on the plus strand (C>T on the coding strand, the complement: COL4A1 is on the minus strand). VCF-style: chr13-110206709-G-A. GRCh37 (hg19) VCF-style: chr13-110859056-G-A.
Other names: c.814C>T, p.Pro272Ser (NM_001303110.2); short protein forms P272S.
Identifiers: ClinVar variation 2166951 (VCV002166951.4), dbSNP rs1222297334, ClinGen allele CA388724924.
Genomic context (GRCh38, chr13:110,206,709, plus strand): 5'-TTTGGAAAGCACTTACTCTGGGTCCTGGTTTTCCGGGTTCACCTTTCTCTCCGACCCCTG[G>A]CATCCCCTTAAAGGAATAAAAAGACAAAGAGATTTATTCGTCTATTTAAGCAAAATTTAA-3'
Protein context (NP_001836.3, residues 262-282): QKGEPGFQGM[Pro272Ser]GVGEKGEPGK

ClinVar aggregate classification (germline): Uncertain significance (1 of 4 stars; one submission).

Allele frequency attached by ClinVar (database versions not stated): gnomAD 0.00001.
gnomAD v4.1: 3 of 1,613,946 alleles (0.00019%); highest among the groups gnomAD compares: East Asian, 0.0022%; no homozygotes.

Submission:

Labcorp Genetics (formerly Invitae), Labcorp
Classification: Uncertain significance. Last evaluated: 2024-11-07. Review status: criteria provided, single submitter. Criteria: Invitae Variant Classification Sherloc (09022015). Collection method: clinical testing. Allele origin: germline.
Comment: This sequence change replaces proline, which is neutral and non-polar, with serine, which is neutral and polar, at codon 272 of the COL4A1 protein (p.Pro272Ser). This variant is present in population databases (no rsID available, gnomAD 0.005%). This variant has not been reported in the literature in individuals affected with COL4A1-related conditions. ClinVar contains an entry for this variant (Variation ID: 2166951). Invitae Evidence Modeling of protein sequence and biophysical properties (such as structural, functional, and spatial information, amino acid conservation, physicochemical variation, residue mobility, and thermodynamic stability) indicates that this missense variant is not expected to disrupt COL4A1 protein function with a negative predictive value of 95%. In summary, the available evidence is currently insufficient to determine the role of this variant in disease. Therefore, it has been classified as a Variant of Uncertain Significance.